The following is an entry in ClinVar:

NM_014639.4(SKIC3):c.1897T>C (p.Tyr633His)

Gene: SKIC3 (SKI3 subunit of superkiller complex; minus strand). Cytogenetic location: 5q15.
Variant type: single nucleotide variant.
Coding change: c.1897T>C on transcript NM_014639.4 (MANE Select); coding-DNA position 1897, T replaced by C.
Protein change: p.Tyr633His; replaces tyrosine 633 with histidine.
Molecular consequence: missense variant.
Genome position (GRCh38, 1-based): chr5:95,522,168, A>G on the plus strand (T>C on the coding strand, the complement: SKIC3 is on the minus strand). VCF-style: chr5-95522168-A-G. GRCh37 (hg19) VCF-style: chr5-94857872-A-G.
Other names: short protein forms Y633H.
Identifiers: ClinVar variation 2057943 (VCV002057943.1), dbSNP rs199678525, ClinGen allele CA3347212.

ClinVar aggregate classification (germline): Uncertain significance (1 of 4 stars; one submission).

Allele frequency attached by ClinVar (database versions not stated): gnomAD exomes below 0.00001; TOPMed below 0.00001; ExAC 0.00001; gnomAD 0.00001.
gnomAD v4.1: 6 of 1,613,762 alleles (0.00037%); highest among the groups gnomAD compares: Non-Finnish European, 0.00034%; 1 homozygote.

Submission:

Labcorp Genetics (formerly Invitae), Labcorp
Classification: Uncertain significance. Last evaluated: 2022-07-11. Review status: criteria provided, single submitter. Criteria: Invitae Variant Classification Sherloc (09022015). Collection method: clinical testing. Allele origin: germline.
Comment: This sequence change replaces tyrosine, which is neutral and polar, with histidine, which is basic and polar, at codon 633 of the TTC37 protein (p.Tyr633His). This variant is present in population databases (rs199678525, gnomAD 0.0009%). This variant has not been reported in the literature in individuals affected with TTC37-related conditions. Algorithms developed to predict the effect of missense changes on protein structure and function are either unavailable or do not agree on the potential impact of this missense change (SIFT: "Deleterious"; PolyPhen-2: "Benign"; Align-GVGD: "Class C0"). In summary, the available evidence is currently insufficient to determine the role of this variant in disease. Therefore, it has been classified as a Variant of Uncertain Significance.